The following is an entry in ClinVar:

NM_000742.4(CHRNA2):c.-45C>A

Gene: CHRNA2 (cholinergic receptor nicotinic alpha 2 subunit; minus strand). Cytogenetic location: 8p21.2.
Variant type: single nucleotide variant.
Coding change: c.-45C>A on transcript NM_000742.4 (MANE Select); 45 bases upstream of the start codon, C replaced by A.
Molecular consequence: 5 prime UTR variant.
Genome position (GRCh38, 1-based): chr8:27,471,103, G>T on the plus strand (C>A on the coding strand, the complement: CHRNA2 is on the minus strand). VCF-style: chr8-27471103-G-T. GRCh37 (hg19) VCF-style: chr8-27328620-G-T.
Other names: c.-45C>A (NM_001282455.2); c.-472C>A (NM_001347705.2); c.-517C>A (NM_001347706.2); c.-458C>A (NM_001347707.2); c.-506C>A (NM_001347708.2).
Identifiers: ClinVar variation 136754 (VCV000136754.5), dbSNP rs12114756, ClinGen allele CA290083.

ClinVar aggregate classification (germline): Benign. Review status: criteria provided, multiple submitters, no conflicts (2 of 4 stars). 2 submissions from 2 submitters: Benign (2). Last evaluated 2018-01-12.

Conditions:
Autosomal dominant nocturnal frontal lobe epilepsy 4. Also called: CHRNA2-Related Nocturnal Frontal Lobe Epilepsy, Autosomal Dominant; EPILEPSY, FAMILIAL, WITH NOCTURNAL WANDERING AND ICTAL FEAR. Identifiers: Orphanet 98784, MedGen C1835905, MONDO:0012474, OMIM 610353.

Allele frequency attached by ClinVar (database versions not stated): gnomAD exomes 0.00030 and 0.00061; ExAC 0.00082; 1000 Genomes Project 0.00200; ESP Exome Variant Server 0.00208; gnomAD 0.00208 and 0.00222; TOPMed 0.00212; 1000 Genomes Project 30x 0.00250.
gnomAD v4.1: 762 of 1,569,574 alleles (0.049%); highest among the groups gnomAD compares: African/African-American, 0.72%; 4 homozygotes.

Submissions (2):

Illumina Laboratory Services, Illumina
Classification: Benign for Autosomal dominant nocturnal frontal lobe epilepsy 4. Last evaluated: 2018-01-12. Review status: criteria provided, single submitter. Criteria: ICSL Variant Classification Criteria 13 December 2019. Collection method: clinical testing. Allele origin: germline.
Comment: This variant was observed in the ICSL laboratory as part of a predisposition screen in an ostensibly healthy population. It had not been previously curated by ICSL or reported in the Human Gene Mutation Database (HGMD: prior to June 1st, 2018), and was therefore a candidate for classification through an automated scoring system. Utilizing variant allele frequency, disease prevalence and penetrance estimates, and inheritance mode, an automated score was calculated to assess if this variant is too frequent to cause the disease. Based on the score and internal cut-off values, a variant classified as benign is not then subjected to further curation. The score for this variant resulted in a classification of benign for this disease.

GeneDx
Classification: Benign. Last evaluated: 2013-09-10. Review status: criteria provided, single submitter. Criteria: GeneDx Variant Classification (06012015). Collection method: clinical testing. Allele origin: germline. Affected: yes.
Comment: This variant is considered likely benign or benign based on one or more of the following criteria: it is a conservative change, it occurs at a poorly conserved position in the protein, it is predicted to be benign by multiple in silico algorithms, and/or has population frequency not consistent with disease.